The following is an entry in ClinVar:

ClinVar aggregate classification (germline): Uncertain significance (1 of 4 stars; one submission).

Conditions:
Congenital myasthenic syndrome 12 (CMS12). Also called: MYASTHENIC SYNDROME, CONGENITAL, WITH TUBULAR AGGREGATES 1; Myasthenia, congenital, 12, with tubular aggregates. Identifiers: Orphanet 353327, Orphanet 590, MedGen C3552335, MONDO:0012518, OMIM 610542.

Allele frequency attached by ClinVar (database versions not stated): gnomAD exomes below 0.00001.
gnomAD v4.1: 1 of 1,580,308 alleles (0.000063%); highest among the groups gnomAD compares: Non-Finnish European, 0.000087%; no homozygotes.

Submission:

Labcorp Genetics (formerly Invitae), Labcorp
Classification: Uncertain significance for Congenital myasthenic syndrome 12. Last evaluated: 2018-04-25. Review status: criteria provided, single submitter. Criteria: Invitae Variant Classification Sherloc (09022015). Collection method: clinical testing. Allele origin: germline.
Comment: In summary, this variant is a novel missense change with uncertain impact on protein function. Therefore, it has been classified as a Variant of Uncertain Significance. Algorithms developed to predict the effect of missense changes on protein structure and function do not agree on the potential impact of this missense change (SIFT: "Deleterious"; PolyPhen-2: "Possibly Damaging"; Align-GVGD: "Class C0"). This variant is not present in population databases (ExAC no frequency) and has not been reported in the literature in individuals with a GFPT1-related disease. This sequence change replaces tyrosine with cysteine at codon 10 of the GFPT1 protein (p.Tyr10Cys). The tyrosine residue is highly conserved and there is a large physicochemical difference between tyrosine and cysteine.

NM_001244710.2(GFPT1):c.29A>G (p.Tyr10Cys)

Gene: GFPT1 (glutamine--fructose-6-phosphate transaminase 1; minus strand). Cytogenetic location: 2p13.3.
Variant type: single nucleotide variant.
Coding change: c.29A>G on transcript NM_001244710.2 (MANE Select); coding-DNA position 29, A replaced by G.
Protein change: p.Tyr10Cys; replaces tyrosine 10 with cysteine.
Molecular consequence: missense variant.
Genome position (GRCh38, 1-based): chr2:69,374,092, T>C on the plus strand (A>G on the coding strand, the complement: GFPT1 is on the minus strand). VCF-style: chr2-69374092-T-C. GRCh37 (hg19) VCF-style: chr2-69601224-T-C.
Other names: c.29A>G, p.Tyr10Cys (NM_002056.4); short protein forms Y10C.
Identifiers: ClinVar variation 473134 (VCV000473134.7), dbSNP rs1553393940, ClinGen allele CA347135139.
Genomic context (GRCh38, chr2:69,374,092, plus strand): 5'-AGTCTCTGAAGGCCTTTGATTAGGGTCTCCAGGATTTCTCGTCTCGTTCGAGGAACATGG[T>C]AGTTTAAGTAAGCAAATATACCTGCAAATAAACAAATATTTAATGAAAAATTCTGATTTA-3'
Protein context (NP_001231639.1, residues 1-20): MCGIFAYLN[Tyr10Cys]HVPRTRREIL